The following is an entry in ClinVar:

NM_000092.5(COL4A4):c.3577G>T (p.Gly1193Cys)

Gene: COL4A4 (collagen type IV alpha 4 chain; minus strand). Cytogenetic location: 2q36.3.
Variant type: single nucleotide variant.
Coding change: c.3577G>T on transcript NM_000092.5 (MANE Select); coding-DNA position 3577, G replaced by T.
Protein change: p.Gly1193Cys; replaces glycine 1193 with cysteine.
Molecular consequence: missense variant.
Genome position (GRCh38, 1-based): chr2:227,033,410, C>A on the plus strand (G>T on the coding strand, the complement: COL4A4 is on the minus strand). VCF-style: chr2-227033410-C-A. GRCh37 (hg19) VCF-style: chr2-227898126-C-A.
Other names: short protein forms G1193C.
Identifiers: ClinVar variation 585530 (VCV000585530.8), dbSNP rs1158350974, ClinGen allele CA350837984.
Genomic context (GRCh38, chr2:227,033,410, plus strand): 5'-ACTTTCTCTCATGAACCATGGACTGAAGCTCAGTCTGTTACGAATCGATTAGGTGCTTAC[C>A]TGAAGCACCTTTAGTTCCTTTCTGACCTTTCAATCCATGCAAGCCGTTCAGGCCAGGTGA-3'
Protein context (NP_000083.3, residues 1183-1203): KGQKGTKGAS[Gly1193Cys]LHDVGPPGPV

ClinVar aggregate classification (germline): Conflicting classifications of pathogenicity. Review status: criteria provided, conflicting classifications (1 of 4 stars). 4 submissions from 4 submitters: Likely pathogenic (2); Uncertain significance (2). Last evaluated 2025-03-25.

Conditions:
COL4A4-related disorder.
Hematuria, benign familial, 1 (BFH1). Also called: THIN MEMBRANE NEPHROPATHY. Identifiers: MedGen CN376803, MONDO:0007709, OMIM 141200.
Autosomal recessive Alport syndrome (ATS2). Also called: ALPORT SYNDROME 2, AUTOSOMAL RECESSIVE; Alport syndrome type 2; COL4A3-Related Nephropathy; COL4A4 Alport Syndrome and Thin Basement Membrane Nephropathy. Identifiers: Orphanet 63, Orphanet 88919, MedGen C4746745, MONDO:0008762, OMIM 203780.

Submissions (4):

PreventionGenetics, part of Exact Sciences
Classification: Likely pathogenic for COL4A4-related condition. Last evaluated: 2025-03-25. Review status: criteria provided, single submitter. Criteria: ACMG Guidelines, 2015. Collection method: clinical testing. Allele origin: germline.
Comment: The COL4A4 c.3577G>T variant is predicted to result in the amino acid substitution p.Gly1193Cys. The Gly1193Cys variant affects a Gly residue of the conserved triple helical domain (residues 65 – 1459) of the COL4A4 protein. The majority of pathogenic variants in COL4A4 substitute a glycine residue to a bulkier amino acid in the triple-helical domain (Hudson et al. 1993. PubMed ID: 8253711). In addition, this variant occurs at the last nucleotide of the exon and is predicted to weaken the canonical splice donor site and may result in aberrant splicing (Alamut Visual Plus v1.6.1). To our knowledge, this variant has not been reported in the literature or in a large population database (gnomAD), indicating this variant is rare. This variant is interpreted as likely pathogenic.

Fulgent Genetics
Classification: Uncertain significance for Hematuria, benign familial, 1; Autosomal recessive Alport syndrome. Last evaluated: 2024-02-09. Review status: criteria provided, single submitter. Criteria: ACMG Guidelines, 2015. Collection method: clinical testing. Allele origin: germline.

Labcorp Genetics (formerly Invitae), Labcorp
Classification: Uncertain significance. Last evaluated: 2022-06-22. Review status: criteria provided, single submitter. Criteria: Invitae Variant Classification Sherloc (09022015). Collection method: clinical testing. Allele origin: germline.
Comment: ClinVar contains an entry for this variant (Variation ID: 585530). This variant has not been reported in the literature in individuals affected with COL4A4-related conditions. This variant is not present in population databases (gnomAD no frequency). This sequence change replaces glycine, which is neutral and non-polar, with cysteine, which is neutral and slightly polar, at codon 1193 of the COL4A4 protein (p.Gly1193Cys). This variant also falls at the last nucleotide of exon 38, which is part of the consensus splice site for this exon. Algorithms developed to predict the effect of missense changes on protein structure and function are either unavailable or do not agree on the potential impact of this missense change (SIFT: "Deleterious"; PolyPhen-2: "Not Available"; Align-GVGD: "Class C0"). Variants that disrupt the consensus splice site are a relatively common cause of aberrant splicing (PMID: 17576681, 9536098). Algorithms developed to predict the effect of sequence changes on RNA splicing suggest that this variant may create or strengthen a splice site. In summary, the available evidence is currently insufficient to determine the role of this variant in disease. Therefore, it has been classified as a Variant of Uncertain Significance.

Athena Diagnostics
Classification: Likely pathogenic. Last evaluated: 2017-10-18. Review status: criteria provided, single submitter. Criteria: Athena Diagnostics Criteria. Collection method: clinical testing. Allele origin: germline.

Literature cited by the submitters: PubMed 17576681 (cited by Labcorp Genetics (formerly Invitae), Labcorp); PubMed 9536098 (cited by Labcorp Genetics (formerly Invitae), Labcorp).